The following is an entry in ClinVar:

NM_015102.5(NPHP4):c.4182G>A (p.Ala1394=)

Gene: NPHP4 (nephrocystin 4; minus strand). Cytogenetic location: 1p36.31.
Variant type: single nucleotide variant.
Coding change: c.4182G>A on transcript NM_015102.5 (MANE Select); coding-DNA position 4182, G replaced by A.
Protein change: p.Ala1394=; no amino-acid change (alanine 1394 retained).
Molecular consequence: synonymous variant. On other transcripts: non-coding transcript variant (1).
Genome position (GRCh38, 1-based): chr1:5,863,364, C>T on the plus strand (G>A on the coding strand, the complement: NPHP4 is on the minus strand). VCF-style: chr1-5863364-C-T. GRCh37 (hg19) VCF-style: chr1-5923424-C-T.
Other names: c.4182G>A (NM_015102.4); c.2643G>A, p.Ala881= (NM_001291593.2); c.2646G>A, p.Ala882= (NM_001291594.2).
Identifiers: ClinVar variation 596153 (VCV000596153.15), dbSNP rs754549864, ClinGen allele CA553302.
Genomic context (GRCh38, chr1:5,863,364, plus strand): 5'-TTTGTCCTCATGGTCATTGATGTAGATCAGGATCTCCTCCTCACCCACTCTCTGACTAGG[C>T]GCAAACTGCAAGCCGATGGTGTAGGTCTCTCCACCCCCGACCTGGAAATAAGCATCCAAA-3'
Protein context (NP_055917.1, residues 1384-1404): GETYTIGLQF[Ala1394=]PSQRVGEEEI

ClinVar aggregate classification (germline): Conflicting classifications of pathogenicity. Review status: criteria provided, conflicting classifications (1 of 4 stars). 4 submissions from 4 submitters: Uncertain significance (1); Likely benign (2). 1 of the submissions does not count toward it. Last evaluated 2025-11-24.

Conditions:
NPHP4-related disorder. Also called: NPHP4-related disorders; NPHP4-related condition. Identifiers: MedGen CN239384.
Nephronophthisis. Also called: Juvenile Nephronophthisis. Identifiers: Orphanet 655, MedGen C0687120, MONDO:0019005, HP:0000090.

Allele frequency attached by ClinVar (database versions not stated): gnomAD 0.00001; TOPMed 0.00002; ExAC 0.00003; gnomAD exomes 0.00003.
gnomAD v4.1: 24 of 1,613,890 alleles (0.0015%); highest among the groups gnomAD compares: Middle Eastern, 0.016%; no homozygotes.

Submissions (4):

Labcorp Genetics (formerly Invitae), Labcorp
Classification: Likely benign for Nephronophthisis. Last evaluated: 2025-11-24. Review status: criteria provided, single submitter. Criteria: Invitae Variant Classification Sherloc (09022015). Collection method: clinical testing. Allele origin: germline.

Blueprint Genetics
Classification: Likely benign. Last evaluated: 2024-10-16. Review status: criteria provided, single submitter. Criteria: ACMG Guidelines, 2015. Collection method: clinical testing. Allele origin: germline.

Eurofins Ntd Llc (ga)
Classification: Uncertain significance. Last evaluated: 2018-02-26. Review status: criteria provided, single submitter. Criteria: EGL ClinVar v180209 classification definitions. Collection method: clinical testing. Allele origin: germline. Observed: 1 variant allele, 1 heterozygote.

PreventionGenetics, part of Exact Sciences
Classification: Likely benign for NPHP4-related condition. Last evaluated: 2024-08-06. Review status: no assertion criteria provided. Collection method: clinical testing. Allele origin: germline. Not counted in ClinVar's aggregate classification.
Comment: This variant is classified as likely benign based on ACMG/AMP sequence variant interpretation guidelines (Richards et al. 2015 PMID: 25741868, with internal and published modifications).